The following is an entry in ClinVar:

NM_001018116.2(CAVIN4):c.721CTGAGACAGTCAGGGGAGAGG[3] (p.Arg254_Phe255insLeuArgGlnSerGlyGluArg)

Gene: CAVIN4 (caveolae associated protein 4; plus strand). Cytogenetic location: 9q31.1.
Variant type: Microsatellite.
Coding change: c.721CTGAGACAGTCAGGGGAGAGG[3] on transcript NM_001018116.2 (MANE Select); three copies in a row of the 21-base unit CTGAGACAGTCAGGGGAGAGG starting at c.721; the reference has two copies in a row; one copy, 21 bases duplicated; also written c.742_762dup.
Protein change: p.Arg254_Phe255insLeuArgGlnSerGlyGluArg.
Molecular consequence: inframe insertion.
Genome position (GRCh38, 1-based): chr9:100,586,098-100,586,118, CTGAGACAGTCAGGGGAGAGG duplicated; duplicating any 21 consecutive bases within chr9:100,586,071-100,586,118 gives the same sequence; the position shown is the placement nearest the transcript's 3' end. VCF-style (leftmost placement, unchanged base first): chr9-100586070-A-AGAGAGGCTGAGACAGTCAGGG. GRCh37 (hg19) VCF-style: chr9-103348352-A-AGAGAGGCTGAGACAGTCAGGG.
Other names: c.742_762dup (NM_001018116.2).
Identifiers: ClinVar variation 1806780 (VCV001806780.2), dbSNP rs746462546, ClinGen allele CA590045306.

ClinVar aggregate classification (germline): Uncertain significance (1 of 4 stars; one submission).

Submission:

GeneDx
Classification: Uncertain significance. Last evaluated: 2023-06-14. Review status: criteria provided, single submitter. Criteria: GeneDx Variant Classification Process June 2021. Collection method: clinical testing. Allele origin: germline. Affected: yes.
Comment: Has not been previously published as pathogenic or benign to our knowledge; Not observed at significant frequency in large population cohorts (gnomAD)